The following is an entry in ClinVar:

ClinVar aggregate classification (germline): Uncertain significance. Review status: criteria provided, multiple submitters, no conflicts (2 of 4 stars). 2 submissions from 2 submitters: Uncertain significance (2). Last evaluated 2025-01-06.

Conditions:
Cardiovascular phenotype. Identifiers: MedGen CN230736.
Hereditary cancer-predisposing syndrome. Also called: Tumor predisposition; Neoplastic Syndromes, Hereditary; Hereditary Cancer Syndrome; Hereditary neoplastic syndrome. Identifiers: Orphanet 140162, MedGen C0027672, MeSH D009386, MONDO:0015356.

Allele frequency attached by ClinVar (database versions not stated): gnomAD exomes below 0.00001.

Submissions (2):

Labcorp Genetics (formerly Invitae), Labcorp
Classification: Uncertain significance. Last evaluated: 2025-01-06. Review status: criteria provided, single submitter. Criteria: Invitae Variant Classification Sherloc (09022015). Collection method: clinical testing. Allele origin: germline.
Comment: This sequence change replaces valine, which is neutral and non-polar, with glycine, which is neutral and non-polar, at codon 337 of the LZTR1 protein (p.Val337Gly). This variant is not present in population databases (gnomAD no frequency). This variant has not been reported in the literature in individuals affected with LZTR1-related conditions. ClinVar contains an entry for this variant (Variation ID: 1728647). Invitae Evidence Modeling of protein sequence and biophysical properties (such as structural, functional, and spatial information, amino acid conservation, physicochemical variation, residue mobility, and thermodynamic stability) indicates that this missense variant is not expected to disrupt LZTR1 protein function with a negative predictive value of 80%. In summary, the available evidence is currently insufficient to determine the role of this variant in disease. Therefore, it has been classified as a Variant of Uncertain Significance.

Ambry Genetics
Classification: Uncertain significance for Cardiovascular phenotype; Hereditary cancer-predisposing syndrome. Last evaluated: 2022-09-13. Review status: criteria provided, single submitter. Criteria: Ambry Variant Classification Scheme 2023. Collection method: clinical testing. Allele origin: germline.
Comment: The p.V337G variant (also known as c.1010T>G), located in coding exon 10 of the LZTR1 gene, results from a T to G substitution at nucleotide position 1010. The valine at codon 337 is replaced by glycine, an amino acid with dissimilar properties. This amino acid position is conserved. In addition, this alteration is predicted to be tolerated by in silico analysis. Since supporting evidence is limited at this time, the clinical significance of this alteration remains unclear.

NM_006767.4(LZTR1):c.1010T>G (p.Val337Gly)

Gene: LZTR1 (leucine zipper like post translational regulator 1; plus strand). Cytogenetic location: 22q11.21.
Variant type: single nucleotide variant.
Coding change: c.1010T>G on transcript NM_006767.4 (MANE Select); coding-DNA position 1010, T replaced by G.
Protein change: p.Val337Gly; replaces valine 337 with glycine.
Molecular consequence: missense variant.
Genome position (GRCh38, 1-based): chr22:20,992,230, T>G. VCF-style: chr22-20992230-T-G. GRCh37 (hg19) VCF-style: chr22-21346519-T-G.
Other names: short protein forms V337G.
Identifiers: ClinVar variation 1728647 (VCV001728647.4), dbSNP rs2518617924, ClinGen allele CA410781765.